The following is an entry in ClinVar:

NM_152564.5(VPS13B):c.6657+6T>G

Gene: VPS13B (vacuolar protein sorting 13 homolog B; plus strand). Cytogenetic location: 8q22.2.
Variant type: single nucleotide variant.
Coding change: c.6657+6T>G on transcript NM_152564.5 (MANE Select); 6 bases into the intron after coding-DNA position 6657, T replaced by G.
Molecular consequence: intron variant.
Genome position (GRCh38, 1-based): chr8:99,717,379, T>G. VCF-style: chr8-99717379-T-G. GRCh37 (hg19) VCF-style: chr8-100729607-T-G.
Other names: c.6732+6T>G (NM_017890.5).
Identifiers: ClinVar variation 5000126 (VCV005000126.1).

ClinVar aggregate classification (germline): Uncertain significance (1 of 4 stars; one submission).

Conditions:
VPS13B-related disorder. Also called: VPS13B-related condition.

Submission:

PreventionGenetics, part of Exact Sciences
Classification: Uncertain significance for VPS13B-related condition. Last evaluated: 2026-05-29. Review status: criteria provided, single submitter. Criteria: ACMG Guidelines, 2015. Collection method: clinical testing. Allele origin: germline.
Comment: The VPS13B c.6657+6T>G variant is predicted to interfere with splicing. To our knowledge, this variant has not been reported in the literature or in a large population database (gnomAD), indicating this variant is rare. At this time, the clinical significance of this variant is uncertain due to the absence of conclusive functional and genetic evidence.